The following is an entry in ClinVar:

ClinVar aggregate classification (germline): Uncertain significance (1 of 4 stars; one submission).

Conditions:
Rhabdoid tumor predisposition syndrome 2 (RTPS2). Identifiers: Orphanet 231108, Orphanet 69077, MedGen C2750074, MONDO:0013224, OMIM 613325.

Submission:

Labcorp Genetics (formerly Invitae), Labcorp
Classification: Uncertain significance for Rhabdoid tumor predisposition syndrome 2. Last evaluated: 2023-12-06. Review status: criteria provided, single submitter. Criteria: Invitae Variant Classification Sherloc (09022015). Collection method: clinical testing. Allele origin: germline.
Comment: This sequence change replaces serine, which is neutral and polar, with alanine, which is neutral and non-polar, at codon 1345 of the SMARCA4 protein (p.Ser1345Ala). This variant is not present in population databases (gnomAD no frequency). This variant has not been reported in the literature in individuals affected with SMARCA4-related conditions. Advanced modeling of protein sequence and biophysical properties (such as structural, functional, and spatial information, amino acid conservation, physicochemical variation, residue mobility, and thermodynamic stability) performed at Invitae indicates that this missense variant is not expected to disrupt SMARCA4 protein function with a negative predictive value of 95%. In summary, the available evidence is currently insufficient to determine the role of this variant in disease. Therefore, it has been classified as a Variant of Uncertain Significance.

NM_003072.5(SMARCA4):c.4033T>G (p.Ser1345Ala)

Gene: SMARCA4 (SWI/SNF related BAF chromatin remodeling complex subunit ATPase 4; plus strand). Cytogenetic location: 19p13.2.
Variant type: single nucleotide variant.
Coding change: c.4033T>G on transcript NM_003072.5 (MANE Select); coding-DNA position 4033, T replaced by G.
Protein change: p.Ser1345Ala; replaces serine 1345 with alanine.
Molecular consequence: missense variant. On other transcripts: non-coding transcript variant (1).
Genome position (GRCh38, 1-based): chr19:11,034,995, T>G. VCF-style: chr19-11034995-T-G. GRCh37 (hg19) VCF-style: chr19-11145671-T-G.
Other names: c.4033T>G, p.Ser1345Ala (NM_001128844.3, NM_001128849.3, NM_001387283.1); c.3934T>G, p.Ser1312Ala (NM_001128845.2, NM_001128846.2, NM_001128847.4 and 3 more transcripts); short protein forms S1345A, S1312A.
Identifiers: ClinVar variation 2756269 (VCV002756269.3), dbSNP rs2146699095, ClinGen allele CA404068163.